The following is an entry in ClinVar:

NM_017780.4(CHD7):c.1867G>A (p.Gly623Arg)

Genes: CHD7 (chromodomain helicase DNA binding protein 7; plus strand), LOC126860403 (CDK7 strongly-dependent group 2 enhancer GRCh37_chr8:61693034-61694233; plus strand). Cytogenetic location: 8q12.2.
Variant type: single nucleotide variant.
Coding change: c.1867G>A on transcript NM_017780.4 (MANE Select); coding-DNA position 1867, G replaced by A.
Protein change: p.Gly623Arg; replaces glycine 623 with arginine.
Molecular consequence: missense variant. On other transcripts: intron variant (1).
Genome position (GRCh38, 1-based): chr8:60,781,201, G>A. VCF-style: chr8-60781201-G-A. GRCh37 (hg19) VCF-style: chr8-61693760-G-A.
Other names: c.1716+151G>A (NM_001316690.1); short protein forms G623R.
Identifiers: ClinVar variation 1313983 (VCV001313983.2), dbSNP rs375905260, ClinGen allele CA371312612.
Genomic context (GRCh38, chr8:60,781,201, plus strand): 5'-AACAACCACATTGTAGCAGAGGATCCCAGTAAAGGTTTTGGTAAAGATGACTTCCCTGGT[G>A]GGGTAGATAACCAAGAACTAAATAGGAACTCACTGGATGGGTCCCAAGAAGAAAAAAAGA-3'
Protein context (NP_060250.2, residues 613-633): KGFGKDDFPG[Gly623Arg]VDNQELNRNS

ClinVar aggregate classification (germline): Uncertain significance (1 of 4 stars; one submission).

gnomAD v4.1: 3 of 1,600,468 alleles (0.00019%); highest among the groups gnomAD compares: Admixed American, 0.0017%; no homozygotes.

Submission:

GeneDx
Classification: Uncertain significance. Last evaluated: 2021-01-22. Review status: criteria provided, single submitter. Criteria: GeneDx Variant Classification Process June 2021. Collection method: clinical testing. Allele origin: germline. Affected: yes.
Comment: Not observed at a significant frequency in large population cohorts (Lek et al., 2016); In silico analysis supports that this missense variant does not alter protein structure/function; Has not been previously published as pathogenic or benign to our knowledge